The following is an entry in ClinVar:

ClinVar aggregate classification (germline): Uncertain significance. Review status: criteria provided, multiple submitters, no conflicts (2 of 4 stars). 2 submissions from 2 submitters: Uncertain significance (2). Last evaluated 2025-05-22.

Conditions:
Inborn genetic diseases. Identifiers: MedGen C0950123, MeSH D030342.

Allele frequency attached by ClinVar (database versions not stated): gnomAD 0.00001; gnomAD exomes 0.00001; 1000 Genomes Project 0.00020; 1000 Genomes Project 30x 0.00031.
gnomAD v4.1: 6 of 1,613,986 alleles (0.00037%); highest among the groups gnomAD compares: Admixed American, 0.0067%; no homozygotes.

Submissions (2):

Labcorp Genetics (formerly Invitae), Labcorp
Classification: Uncertain significance. Last evaluated: 2025-05-22. Review status: criteria provided, single submitter. Criteria: Invitae Variant Classification Sherloc (09022015). Collection method: clinical testing. Allele origin: germline.
Comment: This sequence change replaces valine, which is neutral and non-polar, with alanine, which is neutral and non-polar, at codon 1075 of the VCAN protein (p.Val1075Ala). This variant is present in population databases (rs535165884, gnomAD 0.006%). This variant has not been reported in the literature in individuals affected with VCAN-related conditions. ClinVar contains an entry for this variant (Variation ID: 1404146). An algorithm developed to predict the effect of missense changes on protein structure and function (PolyPhen-2) suggests that this variant is likely to be tolerated. In summary, the available evidence is currently insufficient to determine the role of this variant in disease. Therefore, it has been classified as a Variant of Uncertain Significance.

Ambry Genetics
Classification: Uncertain significance for Inborn genetic diseases. Last evaluated: 2024-08-19. Review status: criteria provided, single submitter. Criteria: Ambry Variant Classification Scheme 2023. Collection method: clinical testing. Allele origin: germline.

NM_004385.5(VCAN):c.3224T>C (p.Val1075Ala)

Gene: VCAN (versican; plus strand). Cytogenetic location: 5q14.3.
Variant type: single nucleotide variant.
Coding change: c.3224T>C on transcript NM_004385.5 (MANE Select); coding-DNA position 3224, T replaced by C.
Protein change: p.Val1075Ala; replaces valine 1075 with alanine.
Molecular consequence: missense variant. On other transcripts: intron variant (2).
Genome position (GRCh38, 1-based): chr5:83,521,530, T>C. VCF-style: chr5-83521530-T-C. GRCh37 (hg19) VCF-style: chr5-82817349-T-C.
Other names: c.3224T>C, p.Val1075Ala (NM_001164098.2); c.1042+9134T>C (NM_001164097.2, NM_001126336.3); c.3224T>C (NM_004385.4); short protein forms V1075A.
Identifiers: ClinVar variation 1404146 (VCV001404146.9), dbSNP rs535165884, ClinGen allele CA121793457.